The following is an entry in ClinVar:

NM_001378328.1(CELSR1):c.8892G>A (p.Ser2964=)

Gene: CELSR1 (cadherin EGF LAG seven-pass G-type receptor 1; minus strand). Cytogenetic location: 22q13.31.
Variant type: single nucleotide variant.
Coding change: c.8892G>A on transcript NM_001378328.1 (MANE Select); coding-DNA position 8892, G replaced by A.
Protein change: p.Ser2964=; no amino-acid change (serine 2964 retained).
Molecular consequence: synonymous variant.
Genome position (GRCh38, 1-based): chr22:46,364,139, C>T on the plus strand (G>A on the coding strand, the complement: CELSR1 is on the minus strand). VCF-style: chr22-46364139-C-T. GRCh37 (hg19) VCF-style: chr22-46760036-C-T.
Other names: c.8892G>A, p.Ser2964= (NM_014246.4).
Identifiers: ClinVar variation 3036476 (VCV003036476.2), dbSNP rs375507061, ClinGen allele CA10292587.

ClinVar aggregate classification (germline): Likely benign (0 of 4 stars; one submission).

Conditions:
CELSR1-related disorder. Also called: CELSR1-related condition.

Allele frequency attached by ClinVar (database versions not stated): TOPMed 0.00005; gnomAD 0.00006; ExAC 0.00009; ESP Exome Variant Server 0.00015.
gnomAD v4.1: 59 of 1,607,532 alleles (0.0037%); highest among the groups gnomAD compares: Middle Eastern, 0.033%; no homozygotes.

Submission:

PreventionGenetics, part of Exact Sciences
Classification: Likely benign for CELSR1-related condition. Last evaluated: 2022-04-22. Review status: no assertion criteria provided. Collection method: clinical testing. Allele origin: germline.
Comment: This variant is classified as likely benign based on ACMG/AMP sequence variant interpretation guidelines (Richards et al. 2015 PMID: 25741868, with internal and published modifications).